The following is an entry in ClinVar:

NM_017780.4(CHD7):c.4856G>A (p.Gly1619Glu)

Gene: CHD7 (chromodomain helicase DNA binding protein 7; plus strand). Cytogenetic location: 8q12.2.
Variant type: single nucleotide variant.
Coding change: c.4856G>A on transcript NM_017780.4 (MANE Select); coding-DNA position 4856, G replaced by A.
Protein change: p.Gly1619Glu; replaces glycine 1619 with glutamic acid.
Molecular consequence: missense variant. On other transcripts: intron variant (1).
Genome position (GRCh38, 1-based): chr8:60,844,869, G>A. VCF-style: chr8-60844869-G-A. GRCh37 (hg19) VCF-style: chr8-61757428-G-A.
Other names: c.1717-17360G>A (NM_001316690.1); short protein forms G1619E.
Identifiers: ClinVar variation 3365114 (VCV003365114.1).

ClinVar aggregate classification (germline): Uncertain significance (1 of 4 stars; one submission).

Submission:

GeneDx
Classification: Uncertain significance. Last evaluated: 2023-12-04. Review status: criteria provided, single submitter. Criteria: GeneDx Variant Classification Process June 2021. Collection method: clinical testing. Allele origin: germline. Affected: yes.
Comment: Not observed at significant frequency in large population cohorts (gnomAD); In silico analysis supports that this missense variant has a deleterious effect on protein structure/function; Has not been previously published as pathogenic or benign to our knowledge